The following is an entry in ClinVar:

NM_173598.6(KSR2):c.1222G>A (p.Gly408Ser)

Gene: KSR2 (kinase suppressor of ras 2; minus strand). Cytogenetic location: 12q24.22.
Variant type: single nucleotide variant.
Coding change: c.1222G>A on transcript NM_173598.6 (MANE Select); coding-DNA position 1222, G replaced by A.
Protein change: p.Gly408Ser; replaces glycine 408 with serine.
Molecular consequence: missense variant.
Genome position (GRCh38, 1-based): chr12:117,582,309, C>T on the plus strand (G>A on the coding strand, the complement: KSR2 is on the minus strand). VCF-style: chr12-117582309-C-T. GRCh37 (hg19) VCF-style: chr12-118020114-C-T.
Other names: short protein forms G408S.
Identifiers: ClinVar variation 3354511 (VCV003354511.2).

ClinVar aggregate classification (germline): Uncertain significance (1 of 4 stars; one submission).

Conditions:
KSR2-related disorder. Also called: KSR2-related condition.

gnomAD v4.1: 22 of 1,613,716 alleles (0.0014%); highest among the groups gnomAD compares: African/African-American, 0.024%; no homozygotes.

Submission:

PreventionGenetics, part of Exact Sciences
Classification: Uncertain significance for KSR2-related condition. Last evaluated: 2026-09-16. Review status: criteria provided, single submitter. Criteria: ACMG Guidelines, 2015. Collection method: clinical testing. Allele origin: germline.
Comment: The KSR2 c.1135G>A variant is predicted to result in the amino acid substitution p.Gly379Ser. To our knowledge, this variant has not been reported in the literature. This variant is reported in 0.025% of alleles in individuals of African descent in gnomAD. At this time, the clinical significance of this variant is uncertain due to the absence of conclusive functional and genetic evidence.